The following is an entry in ClinVar:

ClinVar aggregate classification (germline): Likely benign (0 of 4 stars; one submission).

Conditions:
ANK3-related disorder. Also called: ANK3-related condition.

Allele frequency attached by ClinVar (database versions not stated): TOPMed 0.00001.

Submission:

PreventionGenetics, part of Exact Sciences
Classification: Likely benign for ANK3-related condition. Last evaluated: 2024-01-22. Review status: no assertion criteria provided. Collection method: clinical testing. Allele origin: germline.
Comment: This variant is classified as likely benign based on ACMG/AMP sequence variant interpretation guidelines (Richards et al. 2015 PMID: 25741868, with internal and published modifications).

NM_020987.5(ANK3):c.1074A>G (p.Val358=)

Gene: ANK3 (ankyrin 3; minus strand). Cytogenetic location: 10q21.2.
Variant type: single nucleotide variant.
Coding change: c.1074A>G on transcript NM_020987.5 (MANE Select); coding-DNA position 1074, A replaced by G.
Protein change: p.Val358=; no amino-acid change (valine 358 retained).
Molecular consequence: synonymous variant.
Genome position (GRCh38, 1-based): chr10:60,208,156, T>C on the plus strand (A>G on the coding strand, the complement: ANK3 is on the minus strand). VCF-style: chr10-60208156-T-C. GRCh37 (hg19) VCF-style: chr10-61967914-T-C.
Other names: c.1056A>G, p.Val352= (NM_001204403.2); c.1023A>G, p.Val341= (NM_001204404.2); c.1074A>G, p.Val358= (NM_001320874.2).
Identifiers: ClinVar variation 3029779 (VCV003029779.2), dbSNP rs2096793564, ClinGen allele CA469841259.
Genomic context (GRCh38, chr10:60,208,156, plus strand): 5'-GCCACAGTGGGCAGCCACGTGTAGGGCAGTCAGGTAGTCATTGGTGACATCATCCACGGG[T>C]ACATTATGCTGGAGGAGAAGCTGGACGCAGTTTAAATGATCCCCTTGTGTGGCCATGTGC-3'
Protein context (NP_066267.2, residues 348-368): NCVQLLLQHN[Val358=]PVDDVTNDYL